The following is an entry in ClinVar:

ClinVar aggregate classification (germline): Uncertain significance (1 of 4 stars; one submission).

Conditions:
SCAPER-related disorder. Also called: SCAPER-related condition.

gnomAD v4.1: 1 of 1,613,688 alleles (0.000062%); highest among the groups gnomAD compares: Admixed American, 0.0017%; no homozygotes.

Submission:

PreventionGenetics, part of Exact Sciences
Classification: Uncertain significance for SCAPER-related condition. Last evaluated: 2026-05-16. Review status: criteria provided, single submitter. Criteria: ACMG Guidelines, 2015. Collection method: clinical testing. Allele origin: germline.
Comment: The SCAPER c.3431A>T variant is predicted to result in the amino acid substitution p.His1144Leu. To our knowledge, this variant has not been reported in the literature. This variant is reported in 0.0029% of alleles in individuals of Latino descent in gnomAD. At this time, the clinical significance of this variant is uncertain due to the absence of conclusive functional and genetic evidence.

NM_020843.4(SCAPER):c.3413A>T (p.His1138Leu)

Gene: SCAPER (S-phase cyclin A associated protein in the ER; minus strand). Cytogenetic location: 15q24.3.
Variant type: single nucleotide variant.
Coding change: c.3413A>T on transcript NM_020843.4 (MANE Select); coding-DNA position 3413, A replaced by T.
Protein change: p.His1138Leu; replaces histidine 1138 with leucine.
Molecular consequence: missense variant. On other transcripts: non-coding transcript variant (1).
Genome position (GRCh38, 1-based): chr15:76,404,578, T>A on the plus strand (A>T on the coding strand, the complement: SCAPER is on the minus strand). VCF-style: chr15-76404578-T-A. GRCh37 (hg19) VCF-style: chr15-76696919-T-A.
Other names: c.2675A>T, p.His892Leu (NM_001145923.2); c.3431A>T, p.His1144Leu (NM_001353009.2); c.3011A>T, p.His1004Leu (NM_001353010.2, NM_001353012.2); c.3029A>T, p.His1010Leu (NM_001353011.2); short protein forms H1138L, H892L, H1010L, H1004L, H1144L.
Identifiers: ClinVar variation 4993634 (VCV004993634.1).